The following is an entry in ClinVar:

NM_000436.4(OXCT1):c.-60C>G

Genes: OXCT1 (3-oxoacid CoA-transferase 1; minus strand), OXCT1-AS1 (OXCT1 antisense RNA 1; plus strand). Cytogenetic location: 5p13.1.
Variant type: single nucleotide variant.
Coding change: c.-60C>G on transcript NM_000436.4 (MANE Select); 60 bases upstream of the start codon, C replaced by G.
Molecular consequence: 5 prime UTR variant. On other transcripts: non-coding transcript variant (1).
Genome position (GRCh38, 1-based): chr5:41,870,418, G>C on the plus strand (C>G on the coding strand, the complement: OXCT1 is on the minus strand). VCF-style: chr5-41870418-G-C. GRCh37 (hg19) VCF-style: chr5-41870520-G-C.
Other names: c.-60C>G (NM_001364299.2, NM_001364301.2, NM_001364302.2); c.-675C>G (NM_001364300.2).
Identifiers: ClinVar variation 353671 (VCV000353671.5), dbSNP rs182767661, ClinGen allele CA10621905.

ClinVar aggregate classification (germline): Benign (1 of 4 stars; one submission).

Conditions:
Succinyl-CoA acetoacetate transferase deficiency (SCOTD). Also called: 3-Oxoacid CoA Transferase Deficiency; KETOACIDOSIS DUE TO SCOT DEFICIENCY; SCOT DEFICIENCY; SUCCINYL-CoA:3-KETOACID CoA-TRANSFERASE DEFICIENCY; Succinyl CoA:3-oxoacid CoA transferase deficiency. Identifiers: Orphanet 832, MedGen C0342792, MONDO:0009492, OMIM 245050.

Allele frequency attached by ClinVar (database versions not stated): gnomAD 0.00130 and 0.00144; 1000 Genomes Project 30x 0.00437; TOPMed 0.00189; 1000 Genomes Project 0.00339.
gnomAD v4.1: 1,557 of 1,333,238 alleles (0.12%); highest among the groups gnomAD compares: Admixed American, 2.6%; 28 homozygotes.

Submission:

Illumina Laboratory Services, Illumina
Classification: Benign for Succinyl-CoA acetoacetate transferase deficiency. Last evaluated: 2018-01-13. Review status: criteria provided, single submitter. Criteria: ICSL Variant Classification Criteria 13 December 2019. Collection method: clinical testing. Allele origin: germline.
Comment: This variant was observed in the ICSL laboratory as part of a predisposition screen in an ostensibly healthy population. It had not been previously curated by ICSL or reported in the Human Gene Mutation Database (HGMD: prior to June 1st, 2018), and was therefore a candidate for classification through an automated scoring system. Utilizing variant allele frequency, disease prevalence and penetrance estimates, and inheritance mode, an automated score was calculated to assess if this variant is too frequent to cause the disease. Based on the score and internal cut-off values, a variant classified as benign is not then subjected to further curation. The score for this variant resulted in a classification of benign for this disease.